The following is an entry in ClinVar:

NM_000393.5(COL5A2):c.441G>A (p.Gly147=)

Gene: COL5A2 (collagen type V alpha 2 chain; minus strand). Cytogenetic location: 2q32.2.
Variant type: single nucleotide variant.
Coding change: c.441G>A on transcript NM_000393.5 (MANE Select); coding-DNA position 441, G replaced by A.
Protein change: p.Gly147=; no amino-acid change (glycine 147 retained).
Molecular consequence: synonymous variant.
Genome position (GRCh38, 1-based): chr2:189,097,292, C>T on the plus strand (G>A on the coding strand, the complement: COL5A2 is on the minus strand). VCF-style: chr2-189097292-C-T. GRCh37 (hg19) VCF-style: chr2-189962018-C-T.
Other names: c.441G>A (NM_000393.4).
Identifiers: ClinVar variation 2716506 (VCV002716506.4), dbSNP rs2469390277, ClinGen allele CA430307564.

ClinVar aggregate classification (germline): Likely benign. Review status: criteria provided, multiple submitters, no conflicts (2 of 4 stars). 2 submissions from 2 submitters: Likely benign (2). Last evaluated 2026-04-09.

Conditions:
COL5A2-related disorder. Also called: COL5A2-related condition.
Ehlers-Danlos syndrome, classic type, 1 (EDSCL1). Also called: EHLERS-DANLOS SYNDROME, GRAVIS TYPE; EHLERS-DANLOS SYNDROME, SEVERE CLASSIC TYPE; EDS I; Ehlers-Danlos syndrome, type 1; Ehlers-Danlos Syndrome, Classic Type, COL5A1-Related. Identifiers: MedGen C0268335, MONDO:0019567, OMIM 130000.

Submissions (2):

PreventionGenetics, part of Exact Sciences
Classification: Likely benign for COL5A2-related condition. Last evaluated: 2026-04-09. Review status: criteria provided, single submitter. Criteria: ACMG Guidelines, 2015. Collection method: clinical testing. Allele origin: germline.
Comment: This variant is classified as likely benign based on ACMG/AMP sequence variant interpretation guidelines (Richards et al. 2015 PMID: 25741868, with internal and published modifications).

Labcorp Genetics (formerly Invitae), Labcorp
Classification: Likely benign for Ehlers-Danlos syndrome, classic type, 1. Last evaluated: 2023-05-19. Review status: criteria provided, single submitter. Criteria: Invitae Variant Classification Sherloc (09022015). Collection method: clinical testing. Allele origin: germline.